The following is an entry in ClinVar:

NM_002968.3(SALL1):c.24G>A (p.Lys8=)

Gene: SALL1 (spalt like transcription factor 1; minus strand). Cytogenetic location: 16q12.1.
Variant type: single nucleotide variant.
Coding change: c.24G>A on transcript NM_002968.3 (MANE Select); coding-DNA position 24, G replaced by A.
Protein change: p.Lys8=; no amino-acid change (lysine 8 retained).
Molecular consequence: synonymous variant.
Genome position (GRCh38, 1-based): chr16:51,151,218, C>T on the plus strand (G>A on the coding strand, the complement: SALL1 is on the minus strand). VCF-style: chr16-51151218-C-T. GRCh37 (hg19) VCF-style: chr16-51185129-C-T.
Identifiers: ClinVar variation 3042092 (VCV003042092.2), dbSNP rs759270242, ClinGen allele CA8053602.

ClinVar aggregate classification (germline): Likely benign (0 of 4 stars; one submission).

Conditions:
SALL1-related disorder. Also called: SALL1-related condition.

Allele frequency attached by ClinVar (database versions not stated): TOPMed 0.00001; gnomAD exomes 0.00003; gnomAD 0.00004; ExAC 0.00006.
gnomAD v4.1: 50 of 1,601,450 alleles (0.0031%); highest among the groups gnomAD compares: East Asian, 0.097%; no homozygotes.

Submission:

PreventionGenetics, part of Exact Sciences
Classification: Likely benign for SALL1-related condition. Last evaluated: 2019-06-05. Review status: no assertion criteria provided. Collection method: clinical testing. Allele origin: germline.
Comment: This variant is classified as likely benign based on ACMG/AMP sequence variant interpretation guidelines (Richards et al. 2015 PMID: 25741868, with internal and published modifications).